The following is an entry in ClinVar:

NM_001318852.2(MAPK8IP3):c.4009G>C (p.Glu1337Gln)

Gene: MAPK8IP3 (mitogen-activated protein kinase 8 interacting protein 3; plus strand). Cytogenetic location: 16p13.3.
Variant type: single nucleotide variant.
Coding change: c.4009G>C on transcript NM_001318852.2 (MANE Select); coding-DNA position 4009, G replaced by C.
Protein change: p.Glu1337Gln; replaces glutamic acid 1337 with glutamine.
Molecular consequence: missense variant.
Genome position (GRCh38, 1-based): chr16:1,768,819, G>C. VCF-style: chr16-1768819-G-C. GRCh37 (hg19) VCF-style: chr16-1818820-G-C.
Other names: c.3988G>C, p.Glu1330Gln (NM_001040439.2); c.4006G>C, p.Glu1336Gln (NM_015133.5, NM_033392.3); short protein forms E1330Q, E1336Q, E1337Q.
Identifiers: ClinVar variation 2662410 (VCV002662410.1), dbSNP rs577742104, ClinGen allele CA394240399.
Genomic context (GRCh38, chr16:1,768,819, plus strand): 5'-CCCGTGCTGTCCAAGGCAGAGCGCAGTCACATCATCGTGTGGCAGGTGTCCTACACCCCC[G>C]AGTGAAGCTGCTGCCCTGCCTGGCCCGACCTGTACATAGGACCCCCGACCACCTGACCCC-3'
Protein context (NP_001305781.1, residues 1327-1337): IIVWQVSYTP[Glu1337Gln]

ClinVar aggregate classification (germline): Uncertain significance (1 of 4 stars; one submission).

Submission:

GeneDx
Classification: Uncertain significance. Last evaluated: 2023-04-07. Review status: criteria provided, single submitter. Criteria: GeneDx Variant Classification Process June 2021. Collection method: clinical testing. Allele origin: germline. Affected: yes.
Comment: Not observed at significant frequency in large population cohorts (gnomAD); In silico analysis supports that this missense variant does not alter protein structure/function; Has not been previously published as pathogenic or benign to our knowledge